The following is an entry in ClinVar:

ClinVar aggregate classification (germline): Uncertain significance (1 of 4 stars; one submission).

Conditions:
Autosomal recessive inherited pseudoxanthoma elasticum (PXE). Identifiers: Orphanet 758, MedGen CN032334, MONDO:0009925, OMIM 264800.
Pseudoxanthoma elasticum, forme fruste. Also called: PSEUDOXANTHOMA ELASTICUM, HETEROZYGOUS; Pseudoxanthoma Elasticum, Incomplete. Identifiers: Orphanet 758, MedGen C1867450, MONDO:0008333, OMIM 177850.
Arterial calcification, generalized, of infancy, 2. Identifiers: Orphanet 51608, MedGen C3276161, MONDO:0013768, OMIM 614473.

Submission:

Rare Kidney Stone Consortium and the Mayo Clinic Hyperoxaluria Center, Mayo Clinic
Classification: Uncertain significance for Arterial calcification, generalized, of infancy, 2; Autosomal recessive inherited pseudoxanthoma elasticum; Pseudoxanthoma elasticum, forme fruste. Last evaluated: 2025-10-03. Review status: criteria provided, single submitter. Criteria: ACMG Guidelines, 2015. Collection method: research. Allele origin: germline. Observed: 1 variant allele.
Comment: ACMG:PVS1

Literature cited by the submitters: PubMed 11536079; PubMed 11179012; PubMed 22209248; PubMed 40794449.

NC_000016.9:g.(?_16259790)_(16248485_?)del

Gene: ABCC6 (ATP binding cassette subfamily C member 6; minus strand).
Variant type: Deletion.
Identifiers: ClinVar variation 4526825 (VCV004526825.1).